The following is an entry in ClinVar:

NM_000038.6(APC):c.2664C>A (p.Ala888=)

Gene: APC (APC regulator of Wnt signaling pathway; plus strand). Cytogenetic location: 5q22.2.
Variant type: single nucleotide variant.
Coding change: c.2664C>A on transcript NM_000038.6 (MANE Select); coding-DNA position 2664, C replaced by A.
Protein change: p.Ala888=; no amino-acid change (alanine 888 retained).
Molecular consequence: synonymous variant.
Genome position (GRCh38, 1-based): chr5:112,838,258, C>A. VCF-style: chr5-112838258-C-A. GRCh37 (hg19) VCF-style: chr5-112173955-C-A.
Other names: c.2664C>A, p.Ala888= (NM_001127510.3, NM_001354895.2); c.2610C>A, p.Ala870= (NM_001127511.3); c.2718C>A, p.Ala906= (NM_001354896.2); c.2694C>A, p.Ala898= (NM_001354897.2); c.2589C>A, p.Ala863= (NM_001354898.2); c.2580C>A, p.Ala860= (NM_001354899.2); c.2541C>A, p.Ala847= (NM_001354900.2); c.2487C>A, p.Ala829= (NM_001354901.2); and 5 more.
Identifiers: ClinVar variation 925158 (VCV000925158.15), dbSNP rs939537800, ClinGen allele CA125167768.

ClinVar aggregate classification (germline): Benign/Likely benign. Review status: criteria provided, multiple submitters, no conflicts (2 of 4 stars). 5 submissions from 5 submitters: Benign (1); Likely benign (4). Last evaluated 2024-05-30.

Conditions:
Hereditary cancer-predisposing syndrome. Also called: Neoplastic Syndromes, Hereditary; Tumor predisposition; Hereditary Cancer Syndrome; Hereditary neoplastic syndrome. Identifiers: Orphanet 140162, MedGen C0027672, MeSH D009386, MONDO:0015356.
Classic or attenuated familial adenomatous polyposis. Identifiers: MedGen CN372698, MONDO:0021057.
Familial adenomatous polyposis 1 (FAP1). Also called: FAMILIAL ADENOMATOUS POLYPOSIS 1, ATTENUATED; POLYPOSIS, ADENOMATOUS INTESTINAL. Identifiers: MedGen C2713442, MONDO:0021056, OMIM 175100. Disease mechanism: loss of function.

Allele frequency attached by ClinVar (database versions not stated): gnomAD 0.00001; TOPMed 0.00001.
gnomAD v4.1: 2 of 1,614,062 alleles (0.00012%); highest among the groups gnomAD compares: Non-Finnish European, 0.00017%; no homozygotes.

Submissions (5):

Labcorp Genetics (formerly Invitae), Labcorp
Classification: Likely benign for Familial adenomatous polyposis 1. Last evaluated: 2024-05-30. Review status: criteria provided, single submitter. Criteria: Invitae Variant Classification Sherloc (09022015). Collection method: clinical testing. Allele origin: germline.

Myriad Genetics, Inc.
Classification: Benign for Familial adenomatous polyposis 1. Last evaluated: 2024-03-15. Review status: criteria provided, single submitter. Criteria: Myriad Autosomal Dominant, Autosomal Recessive and X-Linked Classification Criteria (2023). Collection method: clinical testing. Allele origin: unknown.
Comment: This variant is considered benign. This variant is a silent/synonymous amino acid change and it is not expected to impact splicing.

All of Us Research Program, National Institutes of Health
Classification: Likely benign for Classic or attenuated familial adenomatous polyposis. Last evaluated: 2023-02-24. Review status: criteria provided, single submitter. Criteria: ACMG Guidelines, 2015. Collection method: clinical testing. Allele origin: germline. Inheritance: Autosomal dominant inheritance. Observed: 1 variant allele, 1 heterozygote.
Comment: This study involves interpretation of variants in research participants for the purpose of population health screening. Participant phenotype was not available at the time of variant classification. Additional details can be found in publication PMID: 35346344, PMCID: PMC8962531

Ambry Genetics
Classification: Likely benign for Hereditary cancer-predisposing syndrome. Last evaluated: 2020-07-21. Review status: criteria provided, single submitter. Criteria: Ambry Variant Classification Scheme 2023. Collection method: clinical testing. Allele origin: germline.

Color Diagnostics, LLC DBA Color Health
Classification: Likely benign for Hereditary cancer-predisposing syndrome. Last evaluated: 2019-05-22. Review status: criteria provided, single submitter. Criteria: ACMG Guidelines, 2015. Collection method: clinical testing. Allele origin: germline.